The following is an entry in ClinVar:

ClinVar aggregate classification (germline): Uncertain significance (1 of 4 stars; one submission).

Conditions:
Werner syndrome (WRN). Identifiers: Orphanet 902, MedGen C0043119, MONDO:0010196, OMIM 277700.

Allele frequency attached by ClinVar (database versions not stated): TOPMed below 0.00001; gnomAD 0.00001.
gnomAD v4.1: 1 of 1,613,880 alleles (0.000062%); highest among the groups gnomAD compares: African/African-American, 0.0013%; no homozygotes.

Submission:

Labcorp Genetics (formerly Invitae), Labcorp
Classification: Uncertain significance for Werner syndrome. Last evaluated: 2022-11-05. Review status: criteria provided, single submitter. Criteria: Invitae Variant Classification Sherloc (09022015). Collection method: clinical testing. Allele origin: germline.
Comment: In summary, the available evidence is currently insufficient to determine the role of this variant in disease. Therefore, it has been classified as a Variant of Uncertain Significance. Algorithms developed to predict the effect of missense changes on protein structure and function are either unavailable or do not agree on the potential impact of this missense change (SIFT: "Not Available"; PolyPhen-2: "Probably Damaging"; Align-GVGD: "Not Available"). This variant has not been reported in the literature in individuals affected with WRN-related conditions. This variant is not present in population databases (gnomAD no frequency). This sequence change replaces leucine, which is neutral and non-polar, with proline, which is neutral and non-polar, at codon 754 of the WRN protein (p.Leu754Pro).

NM_000553.6(WRN):c.2261T>C (p.Leu754Pro)

Gene: WRN (WRN RecQ like helicase; plus strand). Cytogenetic location: 8p12.
Variant type: single nucleotide variant.
Coding change: c.2261T>C on transcript NM_000553.6 (MANE Select); coding-DNA position 2261, T replaced by C.
Protein change: p.Leu754Pro; replaces leucine 754 with proline.
Molecular consequence: missense variant.
Genome position (GRCh38, 1-based): chr8:31,111,787, T>C. VCF-style: chr8-31111787-T-C. GRCh37 (hg19) VCF-style: chr8-30969303-T-C.
Other names: short protein forms L754P.
Identifiers: ClinVar variation 2996216 (VCV002996216.3), dbSNP rs1801329167, ClinGen allele CA370912917.